The following is an entry in ClinVar:

ClinVar aggregate classification (germline): Likely benign. Review status: criteria provided, single submitter (1 of 4 stars). 2 submissions from 2 submitters: Likely benign (1). 1 of the submissions does not count toward it. Last evaluated 2025-11-24.

Conditions:
Fanconi anemia (FA). Also called: Fanconi's anemia. Identifiers: Orphanet 84, MedGen C0015625, MeSH D005199, MONDO:0019391.
Malignant tumor of breast. Also called: Malignant breast neoplasm; Cancer breast. Identifiers: MedGen C0006142, MONDO:0007254. Disease mechanism: loss of function.

Submissions (2):

Labcorp Genetics (formerly Invitae), Labcorp
Classification: Likely benign for Fanconi anemia. Last evaluated: 2025-11-24. Review status: criteria provided, single submitter. Criteria: Invitae Variant Classification Sherloc (09022015). Collection method: clinical testing. Allele origin: germline.

Department of Pathology and Laboratory Medicine, Sinai Health System
Classification: Uncertain significance for Malignant tumor of breast. Review status: no assertion criteria provided. Collection method: clinical testing. Allele origin: unknown. Affected: yes. Study: The Canadian Open Genetics Repository (COGR). Not counted in ClinVar's aggregate classification.
Comment: The FANCC c.1330-19_1330-10del variant was not identified in the literature nor was it identified in the ClinVar and LOVD 3.0 databases. The variant was identified in dbSNP (rs1389222142). The variant was identified in control databases in 1 of 249,064 chromosomes at a frequency of 0.000004 (Genome Aggregation Database Feb 27, 2017). The variant was observed in the following populations: Latino in 1 of 3440 chromosomes (freq: 0.00003); it was not observed in the African, Ashkenazi Jewish, East Asian, Finnish, European, Other, and South Asian populations. The variant is a 10 base pair intronic deletion that occurs outside of the consensus splice sequence and 3 out of 5 in silico or computational prediction software programs (SpliceSiteFinder, MaxEntScan, NNSPLICE, GeneSplicer) predict a greater than 10% difference in splicing. In summary, based on the above information the clinical significance of this variant cannot be determined with certainty at this time. This variant is classified as a variant of uncertain significance.

NM_000136.3(FANCC):c.1330-19_1330-10del

Genes: AOPEP (aminopeptidase O (putative); plus strand), FANCC (FA complementation group C; minus strand). Cytogenetic location: 9q22.32.
Variant type: Deletion.
Coding change: c.1330-19_1330-10del on transcript NM_000136.3 (MANE Select); 19 bases into the intron before coding-DNA position 1330 through 10 bases into the intron before coding-DNA position 1330, 10 bases deleted (GTGAAATACT; older notation c.1330-19_1330-10delGTGAAATACT).
Molecular consequence: intron variant.
Genome position (GRCh38, 1-based): chr9:95,107,279-95,107,288, AGTATTTCAC deleted on the plus strand (GTGAAATACT on the coding strand, the reverse complement: FANCC is on the minus strand); deleting any 10 consecutive bases within chr9:95,107,279-95,107,290 gives the same sequence; the c. name uses the placement nearest the transcript's 3' end. VCF-style (leftmost placement, unchanged base first): chr9-95107278-TAGTATTTCAC-T. GRCh37 (hg19) VCF-style: chr9-97869560-TAGTATTTCAC-T.
Other names: c.1330-19_1330-10del (NM_001243743.2).
Identifiers: ClinVar variation 1049348 (VCV001049348.7), dbSNP rs1389222142, ClinGen allele CA589580894.